The following is an entry in ClinVar:

NM_020791.4(TAOK1):c.1501G>T (p.Glu501Ter)

Gene: TAOK1 (TAO kinase 1; plus strand). Cytogenetic location: 17q11.2.
Variant type: single nucleotide variant.
Coding change: c.1501G>T on transcript NM_020791.4 (MANE Select); coding-DNA position 1501, G replaced by T.
Protein change: p.Glu501Ter; replaces glutamic acid 501 with a stop codon.
Molecular consequence: nonsense.
Genome position (GRCh38, 1-based): chr17:29,508,058, G>T. VCF-style: chr17-29508058-G-T. GRCh37 (hg19) VCF-style: chr17-27835076-G-T.
Other names: c.1501G>T, p.Glu501Ter (NM_025142.1); short protein forms E501*.
Identifiers: ClinVar variation 4537893 (VCV004537893.1).

ClinVar aggregate classification (germline): Pathogenic (1 of 4 stars; one submission).

Submission:

GeneDx
Classification: Pathogenic. Last evaluated: 2025-06-11. Review status: criteria provided, single submitter. Criteria: GeneDx Variant Classification Process June 2021. Collection method: clinical testing. Allele origin: germline. Affected: yes.
Comment: Nonsense variant predicted to result in protein truncation or nonsense mediated decay in a gene for which loss of function is a known mechanism of disease; Not observed at significant frequency in large population cohorts (gnomAD); Has not been previously published as pathogenic or benign to our knowledge